The following is an entry in ClinVar:

NM_000264.5(PTCH1):c.1808G>A (p.Arg603His)

Genes: PTCH1 (patched 1; minus strand), LOC100507346 (uncharacterized LOC100507346; plus strand). Cytogenetic location: 9q22.32.
Variant type: single nucleotide variant.
Coding change: c.1808G>A on transcript NM_000264.5 (MANE Select); coding-DNA position 1808, G replaced by A.
Protein change: p.Arg603His; replaces arginine 603 with histidine.
Molecular consequence: missense variant. On other transcripts: non-coding transcript variant (2).
Genome position (GRCh38, 1-based): chr9:95,469,852, C>T on the plus strand (G>A on the coding strand, the complement: PTCH1 is on the minus strand). VCF-style: chr9-95469852-C-T. GRCh37 (hg19) VCF-style: chr9-98232134-C-T.
Other names: c.1610G>A, p.Arg537His (NM_001083602.3); c.1805G>A, p.Arg602His (NM_001083603.3); c.1355G>A, p.Arg452His (NM_001083604.3, NM_001083605.3, NM_001083606.3 and 1 more transcripts); c.1652G>A, p.Arg551His (NM_001354918.2); c.1808G>A (NM_000264.4); short protein forms R537H, R603H, R452H, R602H, R551H.
Identifiers: ClinVar variation 367669 (VCV000367669.27), dbSNP rs199523893, ClinGen allele CA5138519.
Genomic context (GRCh38, chr9:95,469,852, plus strand): 5'-CACAGCAGTCTGAAAATGTACCTTGTAAAACAGCAGAAAATATCCAGTCTCCTGTCCTCG[C>T]GTCGATATAAATCCATGCTGAGAATTGCAGGAAAAATGAGCAGAACCATGGCAAAATTGA-3'
Protein context (NP_000255.2, residues 593-613): PAILSMDLYR[Arg603His]EDRRLDIFCC

ClinVar aggregate classification (germline): Conflicting classifications of pathogenicity. Review status: criteria provided, conflicting classifications (1 of 4 stars). 8 submissions from 7 submitters: Uncertain significance (2); Benign (1); Likely benign (5). Last evaluated 2026-03-06.

Conditions:
PTCH1-related disorder. Also called: PTCH1-related disorders; PTCH1-related condition.
Hereditary cancer-predisposing syndrome. Also called: Hereditary neoplastic syndrome; Neoplastic Syndromes, Hereditary; Hereditary Cancer Syndrome; Tumor predisposition. Identifiers: Orphanet 140162, MedGen C0027672, MeSH D009386, MONDO:0015356.
Holoprosencephaly 7 (HPE7). Identifiers: Orphanet 2162, MedGen C1835820, MONDO:0012562, OMIM 610828.
Gorlin syndrome. Also called: Basal cell nevus syndrome; Nevoid Basal Cell Carcinoma Syndrome. Identifiers: Orphanet 377, MedGen C0004779, MONDO:0007187.

Allele frequency attached by ClinVar (database versions not stated): gnomAD exomes 0.00004 and 0.00011; gnomAD 0.00005 and 0.00006; ExAC 0.00009; TOPMed 0.00011.
gnomAD v4.1: 65 of 1,613,926 alleles (0.004%); highest among the groups gnomAD compares: Admixed American, 0.032%; no homozygotes.

Submissions (8):

PreventionGenetics, part of Exact Sciences
Classification: Likely benign for PTCH1-related condition. Last evaluated: 2026-03-06. Review status: criteria provided, single submitter. Criteria: ACMG Guidelines, 2015. Collection method: clinical testing. Allele origin: germline.
Comment: This variant is classified as likely benign based on ACMG/AMP sequence variant interpretation guidelines (Richards et al. 2015 PMID: 25741868, with internal and published modifications).

Labcorp Genetics (formerly Invitae), Labcorp
Classification: Likely benign for Gorlin syndrome. Last evaluated: 2026-02-02. Review status: criteria provided, single submitter. Criteria: Invitae Variant Classification Sherloc (09022015). Collection method: clinical testing. Allele origin: germline.

GeneDx
Classification: Uncertain significance. Last evaluated: 2023-12-03. Review status: criteria provided, single submitter. Criteria: GeneDx Variant Classification Process June 2021. Collection method: clinical testing. Allele origin: germline. Affected: yes.
Comment: In silico analysis supports that this missense variant has a deleterious effect on protein structure/function; Has not been previously published as pathogenic or benign to our knowledge; This variant is associated with the following publications: (PMID: 11331587, 34160418)

Quest Diagnostics Nichols Institute San Juan Capistrano
Classification: Benign. Last evaluated: 2023-05-08. Review status: criteria provided, single submitter. Criteria: Quest Diagnostics criteria. Collection method: clinical testing. Allele origin: unknown.

Sema4
Classification: Likely benign for Hereditary cancer-predisposing syndrome. Last evaluated: 2022-02-19. Review status: criteria provided, single submitter. Criteria: Sema4 Curation Guidelines. Collection method: curation. Allele origin: germline.

Ambry Genetics
Classification: Likely benign for Hereditary cancer-predisposing syndrome. Last evaluated: 2019-01-15. Review status: criteria provided, single submitter. Criteria: Ambry Variant Classification Scheme 2023. Collection method: clinical testing. Allele origin: germline.

Illumina Laboratory Services, Illumina
Classification: Likely benign for Basal cell nevus syndrome 1. Last evaluated: 2018-01-13. Review status: criteria provided, single submitter. Criteria: ICSL Variant Classification Criteria 13 December 2019. Collection method: clinical testing. Allele origin: germline.
Comment: This variant was observed in the ICSL laboratory as part of a predisposition screen in an ostensibly healthy population. It had not been previously curated by ICSL or reported in the Human Gene Mutation Database (HGMD: prior to June 1st, 2018), and was therefore a candidate for classification through an automated scoring system. Utilizing variant allele frequency, disease prevalence and penetrance estimates, and inheritance mode, an automated score was calculated to assess if this variant is too frequent to cause the disease. Based on the score and internal cut-off values, a variant classified as likely benign is not then subjected to further curation. The score for this variant resulted in a classification of likely benign for this disease.

Illumina Laboratory Services, Illumina
Classification: Uncertain significance for Holoprosencephaly 7. Last evaluated: 2018-01-13. Review status: criteria provided, single submitter. Criteria: ICSL Variant Classification Criteria 13 December 2019. Collection method: clinical testing. Allele origin: germline.